The following continues an entry in ClinVar:

NM_007194.4(CHEK2):c.549G>C (p.Leu183Phe)

Gene: CHEK2. ClinVar aggregate classification (germline): Conflicting classifications of pathogenicity. Likely pathogenic (4); Uncertain significance (8).

Submissions 9 to 14 of 14:

Illumina Laboratory Services, Illumina
Classification: Likely pathogenic. Last evaluated: 2022-08-18. Review status: criteria provided, single submitter. Criteria: ICSL CNVClassificationCriteria Aug2020. Collection method: clinical testing. Allele origin: unknown. Affected: yes.
Comment: The CHEK2 c.549G>C (p.Leu183Phe) missense variant results in the substitution of leucine at amino acid position 183 with phenylalanine. Across a selection of the available literature, this variant, which has been described as a founder variant in the Greek population (PMID: 33925588), has been identified in a heterozygous state in at least 14 unrelated individuals with breast cancer or colorectal cancer (PMID: 30851065; PMID: 31300551; PMID: 32658311; PMID: 33919281). The c.549G>C variant was also reported in a single control (PMID: 32658311). The highest frequency of this allele in the Genome Aggregation Database is 0.000026 in the European (non-Finnish) population (version 2.1.1). Functional characterization of the variant in yeast showed diminished cell growth, which suggests a damaging impact (PMID: 30851065). In addition, a different missense change at the same amino acid residue, c.548T>C (p.Leu183Ser), has been reported in individuals with breast cancer (PMID: 30851065). Based on the available evidence, the c.549G>C (p.Leu183Phe) variant is classified as likely pathogenic for CHEK2-related heredity cancer predisposition.

MGZ Medical Genetics Center
Classification: Likely pathogenic for Familial cancer of breast. Last evaluated: 2021-09-17. Review status: criteria provided, single submitter. Criteria: ACMG Guidelines, 2015. Collection method: clinical testing. Allele origin: germline. Affected: yes. Observed: 1 variant allele.
Comment: ACMG criteria applied: PS3, PM2_SUP, PP3

CeGaT Center for Human Genetics Tuebingen
Classification: Likely pathogenic. Last evaluated: 2019-10-01. Review status: criteria provided, single submitter. Criteria: CeGaT Center For Human Genetics Tuebingen Variant Classification Criteria Version 2. Collection method: clinical testing. Allele origin: germline. Affected: yes. Observed: 1 variant allele.

University of Washington Department of Laboratory Medicine, University of Washington
Classification: Uncertain significance for Breast and colorectal cancer, susceptibility to. Last evaluated: 2015-11-20. Review status: criteria provided, single submitter. Criteria: Shirts et al. (Genet Med 2016). Collection method: clinical testing. Allele origin: germline. Affected: no. Observed: 2 variant alleles.

Counsyl
Classification: Uncertain significance for Familial cancer of breast. Last evaluated: 2017-06-29. Review status: no assertion criteria provided. Collection method: clinical testing. Allele origin: unknown. Not counted in ClinVar's aggregate classification.

Department of Pathology and Laboratory Medicine, Sinai Health System
Classification: Uncertain significance for Malignant tumor of breast. Review status: no assertion criteria provided. Collection method: clinical testing. Allele origin: unknown. Affected: yes. Study: The Canadian Open Genetics Repository (COGR). Not counted in ClinVar's aggregate classification.
Comment: The CHEK2 p.Leu183Phe variant was identified in 1 of 3856 proband chromosomes (frequency: 0.0003) from individuals with hereditary breast and ovarian cancer and was not identified in 6720 control chromosomes from healthy individuals (Kleiblova 2019). The variant was identified dbSNP (rs745646057) as â€šÃ„Ãºwith uncertain significance alleleâ€šÃ„Ã¹ and ClinVar (interpreted as "uncertain significance" by Invitae, Color and 4 others). The variant was identified in control databases in 3 of 246,218 chromosomes at a frequency of 0.00001 (Genome Aggregation Database Feb 27, 2017). The variant was observed in the following populations: European in 3 of 111,676 chromosomes (freq: 0.00003), but not in the African, Other, Latino, Ashkenazi Jewish, East Asian, Finnish, and South Asian populations. The p.Leu183 residue is conserved across mammals and other organisms, and four out of five computational analyses (PolyPhen-2, SIFT, AlignGVGD, BLOSUM, MutationTaster) suggest that the variant may impact the protein; however, this information is not predictive enough to assume pathogenicity. The variant occurs outside of the splicing consensus sequence and in silico or computational prediction software programs (SpliceSiteFinder, MaxEntScan, NNSPLICE, GeneSplicer) do not predict a difference in splicing. In summary, based on the above information the clinical significance of this variant cannot be determined with certainty at this time. This variant is classified as a variant of uncertain significance.

Literature cited by the submitters: PubMed 26845104 (cited by 4 submitters); PubMed 31300551 (cited by 3 submitters); PubMed 32658311 (cited by 4 submitters); PubMed 33919281 (cited by 4 submitters); PubMed 33925588 (cited by 4 submitters); PubMed 30851065 (cited by 4 submitters); PubMed 37449874 (cited by Labcorp Genetics (formerly Invitae), Labcorp and Color Diagnostics, LLC DBA Color Health); PubMed 32885271 (cited by Color Diagnostics, LLC DBA Color Health and Ambry Genetics); PubMed 35585550 (cited by Color Diagnostics, LLC DBA Color Health); PubMed 38308423 (cited by Color Diagnostics, LLC DBA Color Health); PubMed 39146382 (cited by Color Diagnostics, LLC DBA Color Health).